The following is an entry in ClinVar:

ClinVar aggregate classification (germline): Uncertain significance (1 of 4 stars; one submission).

Submission:

CeGaT Center for Human Genetics Tuebingen
Classification: Uncertain significance. Last evaluated: 2024-10-01. Review status: criteria provided, single submitter. Criteria: CeGaT Center For Human Genetics Tuebingen Variant Classification Criteria Version 2. Collection method: clinical testing. Allele origin: germline. Affected: yes. Observed: 2 variant alleles.
Comment: MAT1A: PM2, PM4:Supporting, PP4

NC_000010.11:g.80275198_80275200del

Gene: MAT1A (methionine adenosyltransferase 1A; minus strand). Cytogenetic location: 10q22.3.
Variant type: Deletion.
Genome position: GRCh38 VCF-style: chr10-80275195-TCCC-T. GRCh37 (hg19) VCF-style: chr10-82034951-TCCC-T.
Identifiers: ClinVar variation 1335044 (VCV001335044.35), dbSNP rs1564645686, ClinGen allele CA2573053319.
Genomic context (GRCh38, chr10:80,275,195, plus strand): 5'-CCATGAGCCCCCCAGCCGCCATAGGTGTCCACAATAATCTTACGGCCAGTGACACCCGCA[TCCC>T]CCTGCAGAGGGAGAGAAATCAAGATAAGAAGCAGAGCCAGCCCCTAGATGCTGGAGGGGG-3'